The following is an entry in ClinVar:

ClinVar aggregate classification (germline): Conflicting classifications of pathogenicity. Review status: criteria provided, conflicting classifications (1 of 4 stars). 4 submissions from 4 submitters: Uncertain significance (1); Benign (1); Likely benign (2). Last evaluated 2025-04-22.

Conditions:
Familial cancer of breast. Also called: hereditary breast carcinoma; BREAST CANCER, FAMILIAL; Hereditary breast cancer. Identifiers: Orphanet 227535, MedGen C0346153, MONDO:0016419, OMIM 114480. Disease mechanism: loss of function.
Hereditary cancer-predisposing syndrome. Also called: Hereditary Cancer Syndrome; Hereditary neoplastic syndrome; Tumor predisposition; Neoplastic Syndromes, Hereditary. Identifiers: Orphanet 140162, MedGen C0027672, MeSH D009386, MONDO:0015356.
Fanconi anemia complementation group J. Also called: BRIP1-Related Fanconi Anemia. Identifiers: Orphanet 84, MedGen C1836860, MONDO:0012187, OMIM 609054.

Submissions (4):

Labcorp Genetics (formerly Invitae), Labcorp
Classification: Likely benign for Familial cancer of breast; Fanconi anemia complementation group J. Last evaluated: 2025-04-22. Review status: criteria provided, single submitter. Criteria: Invitae Variant Classification Sherloc (09022015). Collection method: clinical testing. Allele origin: germline.

Myriad Genetics, Inc.
Classification: Benign for Familial cancer of breast. Last evaluated: 2024-08-26. Review status: criteria provided, single submitter. Criteria: Myriad Autosomal Dominant, Autosomal Recessive and X-Linked Classification Criteria (2023). Collection method: clinical testing. Allele origin: unknown.
Comment: This variant is considered benign. This variant is a silent/synonymous amino acid change and it is not expected to impact splicing.

Ambry Genetics
Classification: Likely benign for Hereditary cancer-predisposing syndrome. Last evaluated: 2024-07-09. Review status: criteria provided, single submitter. Criteria: Ambry Variant Classification Scheme 2023. Collection method: clinical testing. Allele origin: germline.

Quest Diagnostics Nichols Institute San Juan Capistrano
Classification: Uncertain significance. Last evaluated: 2016-11-28. Review status: criteria provided, single submitter. Criteria: Quest Diagnostics criteria. Collection method: clinical testing. Allele origin: germline.

NM_032043.3(BRIP1):c.1182A>G (p.Glu394=)

Gene: BRIP1 (BRCA1 interacting DNA helicase 1; minus strand). Cytogenetic location: 17q23.2.
Variant type: single nucleotide variant.
Coding change: c.1182A>G on transcript NM_032043.3 (MANE Select); coding-DNA position 1182, A replaced by G.
Protein change: p.Glu394=; no amino-acid change (glutamic acid 394 retained).
Molecular consequence: synonymous variant.
Genome position (GRCh38, 1-based): chr17:61,799,258, T>C on the plus strand (A>G on the coding strand, the complement: BRIP1 is on the minus strand). VCF-style: chr17-61799258-T-C. GRCh37 (hg19) VCF-style: chr17-59876619-T-C.
Identifiers: ClinVar variation 439025 (VCV000439025.12), dbSNP rs1555607195, ClinGen allele CA501151609.